The following is an entry in ClinVar:

NM_020919.4(ALS2):c.1619G>A (p.Gly540Glu)

Gene: ALS2 (alsin Rho guanine nucleotide exchange factor ALS2; minus strand). Cytogenetic location: 2q33.1.
Variant type: single nucleotide variant.
Coding change: c.1619G>A on transcript NM_020919.4 (MANE Select); coding-DNA position 1619, G replaced by A.
Protein change: p.Gly540Glu; replaces glycine 540 with glutamic acid.
Molecular consequence: missense variant.
Genome position (GRCh38, 1-based): chr2:201,754,524, C>T on the plus strand (G>A on the coding strand, the complement: ALS2 is on the minus strand). VCF-style: chr2-201754524-C-T. GRCh37 (hg19) VCF-style: chr2-202619247-C-T.
Other names: c.1619G>A; short protein forms G540E.
Identifiers: ClinVar variation 42137 (VCV000042137.3), dbSNP rs386134178, ClinGen allele CA344594.

ClinVar aggregate classification (germline): Pathogenic (0 of 4 stars; one submission).

Conditions:
Juvenile primary lateral sclerosis (PLSJ). Also called: Juvenile Primary Lateral Sclerosis (JPLS). Identifiers: Orphanet 247604, MedGen C1853396, MONDO:0011663, OMIM 606353.

Allele frequency attached by ClinVar (database versions not stated): gnomAD exomes below 0.00001.
gnomAD v4.1: 2 of 1,614,010 alleles (0.00012%); highest among the groups gnomAD compares: Non-Finnish European, 0.00017%; no homozygotes.

Submission:

GeneReviews
Classification: Pathogenic for ALS2-Related Disorders. Last evaluated: 2011-02-10. Review status: no assertion criteria provided. Collection method: curation. Allele origin: unknown.
ClinVar note: Converted during submission from pathologic to Pathogenic.